The following is an entry in ClinVar:

ClinVar aggregate classification (germline): Uncertain significance (1 of 4 stars; one submission).

Conditions:
Cystic fibrosis (CF). Also called: MUCOVISCIDOSIS. Identifiers: Orphanet 586, MedGen C0010674, MONDO:0009061, OMIM 219700. Disease mechanism: loss of function.

Allele frequency attached by ClinVar (database versions not stated): gnomAD 0.00001; gnomAD exomes below 0.00001; TOPMed below 0.00001.
gnomAD v4.1: 2 of 1,613,794 alleles (0.00012%); highest among the groups gnomAD compares: African/African-American, 0.0013%; no homozygotes.

Submission:

Ambry Genetics
Classification: Uncertain significance for Cystic fibrosis. Last evaluated: 2026-02-19. Review status: criteria provided, single submitter. Criteria: Ambry Variant Classification Scheme 2023. Collection method: clinical testing. Allele origin: germline.
Comment: The c.4243-3T>C intronic variant results from a T to C substitution 3 nucleotides upstream from coding exon 27 in the CFTR gene. This nucleotide position is not well conserved in available vertebrate species. In silico splice site analysis for this alteration is inconclusive. Based on the available evidence, the clinical significance of this variant remains unclear.

NM_000492.4(CFTR):c.4243-3T>C

Genes: CFTR (CF transmembrane conductance regulator; plus strand), LOC111674477 (CFTR intron 23 enhancer; plus strand). Cytogenetic location: 7q31.2.
Variant type: single nucleotide variant.
Coding change: c.4243-3T>C on transcript NM_000492.4 (MANE Select); 3 bases into the intron before coding-DNA position 4243, T replaced by C.
Molecular consequence: intron variant.
Genome position (GRCh38, 1-based): chr7:117,666,905, T>C. VCF-style: chr7-117666905-T-C. GRCh37 (hg19) VCF-style: chr7-117306959-T-C.
Identifiers: ClinVar variation 1739016 (VCV001739016.3), dbSNP rs1010996468, ClinGen allele CA164961598.